The following is an entry in ClinVar:

ClinVar aggregate classification (germline): Conflicting classifications of pathogenicity. Review status: criteria provided, conflicting classifications (1 of 4 stars). 3 submissions from 3 submitters: Uncertain significance (2); Likely benign (1). Last evaluated 2024-10-09.

Conditions:
Polycystic kidney disease, adult type (PKD1). Also called: Polycystic Kidney Disease 1, Autosomal Dominant; Polycystic kidney disease 1; Polycystic kidney disease 1, severe; Polycystic Kidney, Autosomal Dominant; POLYCYSTIC KIDNEY DISEASE 1 WITH OR WITHOUT POLYCYSTIC LIVER DISEASE; POLYCYSTIC KIDNEY DISEASE, ADULT, TYPE I. Identifiers: MedGen C3149841, MONDO:0008263, OMIM 173900.

Allele frequency attached by ClinVar (database versions not stated): TOPMed 0.00004; ExAC 0.00005; ESP Exome Variant Server 0.00008; gnomAD 0.00009.
gnomAD v4.1: 80 of 1,604,862 alleles (0.005%); highest among the groups gnomAD compares: Non-Finnish European, 0.0042%; no homozygotes.

Submissions (3):

Blueprint Genetics
Classification: Uncertain significance. Last evaluated: 2024-10-09. Review status: criteria provided, single submitter. Criteria: ACMG Guidelines, 2015. Collection method: clinical testing. Allele origin: germline.

Fulgent Genetics
Classification: Likely benign for Polycystic kidney disease, adult type. Last evaluated: 2024-01-23. Review status: criteria provided, single submitter. Criteria: ACMG Guidelines, 2015. Collection method: clinical testing. Allele origin: germline.

GeneDx
Classification: Uncertain significance. Last evaluated: 2019-09-17. Review status: criteria provided, single submitter. Criteria: GeneDx Variant Classification Process June 2021. Collection method: clinical testing. Allele origin: germline. Affected: yes.
Comment: In silico analysis, which includes protein predictors and evolutionary conservation, supports that this variant does not alter protein structure/function; Has not been previously published as pathogenic or benign to our knowledge

NM_001009944.3(PKD1):c.5449G>A (p.Val1817Met)

Gene: PKD1 (polycystin 1, transient receptor potential channel interacting; minus strand). Cytogenetic location: 16p13.3.
Variant type: single nucleotide variant.
Coding change: c.5449G>A on transcript NM_001009944.3 (MANE Select); coding-DNA position 5449, G replaced by A.
Protein change: p.Val1817Met; replaces valine 1817 with methionine.
Molecular consequence: missense variant.
Genome position (GRCh38, 1-based): chr16:2,109,718, C>T on the plus strand (G>A on the coding strand, the complement: PKD1 is on the minus strand). VCF-style: chr16-2109718-C-T. GRCh37 (hg19) VCF-style: chr16-2159719-C-T.
Other names: c.5449G>A, p.Val1817Met (NM_000296.4); short protein forms V1817M.
Identifiers: ClinVar variation 1312191 (VCV001312191.4), dbSNP rs149713462, ClinGen allele CA7831975.